The following is an entry in ClinVar:

ClinVar aggregate classification (germline): Uncertain significance (1 of 4 stars; one submission).

Conditions:
Hereditary cancer-predisposing syndrome. Also called: Neoplastic Syndromes, Hereditary; Tumor predisposition; Hereditary Cancer Syndrome; Hereditary neoplastic syndrome. Identifiers: Orphanet 140162, MedGen C0027672, MeSH D009386, MONDO:0015356.

Allele frequency attached by ClinVar (database versions not stated): gnomAD exomes below 0.00001; ExAC 0.00002.
gnomAD v4.1: 3 of 1,612,898 alleles (0.00019%); highest among the groups gnomAD compares: South Asian, 0.0022%; no homozygotes.

Submission:

Ambry Genetics
Classification: Uncertain significance for Hereditary cancer-predisposing syndrome. Last evaluated: 2024-04-01. Review status: criteria provided, single submitter. Criteria: Ambry Variant Classification Scheme 2023. Collection method: clinical testing. Allele origin: germline.
Comment: The p.T637A variant (also known as c.1909A>G), located in coding exon 16 of the MRE11A gene, results from an A to G substitution at nucleotide position 1909. The threonine at codon 637 is replaced by alanine, an amino acid with similar properties. This amino acid position is well conserved in available vertebrate species. In addition, this alteration is predicted to be tolerated by in silico analysis. Since supporting evidence is limited at this time, the clinical significance of this alteration remains unclear.

NM_005591.4(MRE11):c.1909A>G (p.Thr637Ala)

Gene: MRE11 (MRE11 double strand break repair nuclease; minus strand). Cytogenetic location: 11q21.
Variant type: single nucleotide variant.
Coding change: c.1909A>G on transcript NM_005591.4 (MANE Select); coding-DNA position 1909, A replaced by G.
Protein change: p.Thr637Ala; replaces threonine 637 with alanine.
Molecular consequence: missense variant.
Genome position (GRCh38, 1-based): chr11:94,437,194, T>C on the plus strand (A>G on the coding strand, the complement: MRE11 is on the minus strand). VCF-style: chr11-94437194-T-C. GRCh37 (hg19) VCF-style: chr11-94170360-T-C.
Other names: c.1906A>G, p.Thr636Ala (NM_001330347.2); c.1825A>G, p.Thr609Ala (NM_005590.4); short protein forms T609A, T636A, T637A.
Identifiers: ClinVar variation 1800306 (VCV001800306.3), dbSNP rs757139661, ClinGen allele CA6234961.
Genomic context (GRCh38, chr11:94,437,194, plus strand): 5'-AACATAAATTATTAATACACAACCATAAAACTTTTTTTCTTACCTCTGAATAATTCTTAG[T>C]AGTGACATTTCGGGAAGGCTGCTGTCTTGTAGATTTAAAGGCTAGAATGAAAAAGATGAA-3'
Protein context (NP_005582.1, residues 627-647): TRQQPSRNVT[Thr637Ala]KNYSEVIEVD